The following is an entry in ClinVar:

ClinVar aggregate classification (germline): Uncertain significance (1 of 4 stars; one submission).

Allele frequency attached by ClinVar (database versions not stated): TOPMed below 0.00001.

Submission:

Labcorp Genetics (formerly Invitae), Labcorp
Classification: Uncertain significance. Last evaluated: 2023-01-06. Review status: criteria provided, single submitter. Criteria: Invitae Variant Classification Sherloc (09022015). Collection method: clinical testing. Allele origin: germline.
Comment: In summary, the available evidence is currently insufficient to determine the role of this variant in disease. Therefore, it has been classified as a Variant of Uncertain Significance. Algorithms developed to predict the effect of missense changes on protein structure and function are either unavailable or do not agree on the potential impact of this missense change (SIFT: "Tolerated"; PolyPhen-2: "Not Available"; Align-GVGD: "Class C0"). This variant has not been reported in the literature in individuals affected with SRP54-related conditions. This variant is not present in population databases (gnomAD no frequency). This sequence change replaces asparagine, which is neutral and polar, with histidine, which is basic and polar, at codon 503 of the SRP54 protein (p.Asn503His).

NM_003136.4(SRP54):c.1507A>C (p.Asn503His)

Gene: SRP54 (signal recognition particle 54; plus strand). Cytogenetic location: 14q13.2.
Variant type: single nucleotide variant.
Coding change: c.1507A>C on transcript NM_003136.4 (MANE Select); coding-DNA position 1507, A replaced by C.
Protein change: p.Asn503His; replaces asparagine 503 with histidine.
Molecular consequence: missense variant.
Genome position (GRCh38, 1-based): chr14:35,029,144, A>C. VCF-style: chr14-35029144-A-C. GRCh37 (hg19) VCF-style: chr14-35498350-A-C.
Other names: c.1360A>C, p.Asn454His (NM_001146282.2); c.1336A>C, p.Asn446His (NM_001411017.1); short protein forms N454H, N446H, N503H.
Identifiers: ClinVar variation 2826551 (VCV002826551.3), dbSNP rs2044682851, ClinGen allele CA389449668.
Genomic context (GRCh38, chr14:35,029,144, plus strand): 5'-ATGATGAGGCAGTTTCAACAGGGTGCTGCTGGCAACATGAAAGGCATGATGGGATTCAAT[A>C]ATATGTAAAGAAAATGCCTTAATATAAACTGACTCAGTTGAATACCTAATTTGCTGAGAC-3'
Protein context (NP_003127.1, residues 493-504): GNMKGMMGFN[Asn503His]M